The following is an entry in ClinVar:

NM_000540.3(RYR1):c.1659_1660delinsTT (p.Glu554Ter)

Gene: RYR1 (ryanodine receptor 1; plus strand). Cytogenetic location: 19q13.2.
Variant type: Indel.
Coding change: c.1659_1660delinsTT on transcript NM_000540.3 (MANE Select); coding-DNA positions 1659 to 1660, GG replaced by TT.
Protein change: p.Glu554Ter; replaces glutamic acid 554 with a stop codon.
Molecular consequence: nonsense.
Genome position (GRCh38, 1-based): chr19:38,455,533-38,455,534, GG replaced by TT. VCF-style: chr19-38455533-GG-TT. GRCh37 (hg19) VCF-style: chr19-38946173-GG-TT.
Other names: c.1659_1660delinsTT, p.Glu554Ter (NM_001042723.2); short protein forms E554*.
Identifiers: ClinVar variation 2843766 (VCV002843766.3), dbSNP rs2514027187, ClinGen allele CA2739276737.

ClinVar aggregate classification (germline): Pathogenic (1 of 4 stars; one submission).

Conditions:
RYR1-related disorder. Also called: RYR1-related condition; RYR1-related disorders. Identifiers: MedGen CN239331.

Submission:

Labcorp Genetics (formerly Invitae), Labcorp
Classification: Pathogenic for RYR1-related disorder. Last evaluated: 2023-03-08. Review status: criteria provided, single submitter. Criteria: Invitae Variant Classification Sherloc (09022015). Collection method: clinical testing. Allele origin: germline.
Comment: This sequence change creates a premature translational stop signal (p.Glu554*) in the RYR1 gene. It is expected to result in an absent or disrupted protein product. Loss-of-function variants in RYR1 are known to be pathogenic (PMID: 23919265, 25960145, 28818389, 30611313). Information on the frequency of this variant in the gnomAD database is not available, as this variant may be reported differently in the database. This variant has not been reported in the literature in individuals affected with RYR1-related conditions. For these reasons, this variant has been classified as Pathogenic.

Literature cited by the submitters: PubMed 23919265; PubMed 25960145; PubMed 28818389; PubMed 30611313.